The following is an entry in ClinVar:

ClinVar aggregate classification (germline): Uncertain significance. Review status: criteria provided, multiple submitters, no conflicts (2 of 4 stars). 2 submissions from 2 submitters: Uncertain significance (2). Last evaluated 2024-02-28.

Conditions:
Odontochondrodysplasia 1. Identifiers: Orphanet 166272, MedGen C5542277, MONDO:0100325, OMIM 184260.
Achondrogenesis, type IA (ACG1A). Identifiers: Orphanet 932, Orphanet 93299, MedGen C0265273, MONDO:0008701, OMIM 200600.

Allele frequency attached by ClinVar (database versions not stated): ExAC 0.00007.
gnomAD v4.1: 35 of 1,613,950 alleles (0.0022%); highest among the groups gnomAD compares: Admixed American, 0.058%; no homozygotes.

Submissions (2):

Fulgent Genetics
Classification: Uncertain significance for Odontochondrodysplasia 1; Achondrogenesis, type IA. Last evaluated: 2024-02-28. Review status: criteria provided, single submitter. Criteria: ACMG Guidelines, 2015. Collection method: clinical testing. Allele origin: germline.

Labcorp Genetics (formerly Invitae), Labcorp
Classification: Uncertain significance for Achondrogenesis, type IA. Last evaluated: 2022-08-16. Review status: criteria provided, single submitter. Criteria: Invitae Variant Classification Sherloc (09022015). Collection method: clinical testing. Allele origin: germline.
Comment: This sequence change replaces glutamine, which is neutral and polar, with lysine, which is basic and polar, at codon 1483 of the TRIP11 protein (p.Gln1483Lys). This variant is present in population databases (rs767207472, gnomAD 0.09%). This variant has not been reported in the literature in individuals affected with TRIP11-related conditions. ClinVar contains an entry for this variant (Variation ID: 1504467). Algorithms developed to predict the effect of missense changes on protein structure and function are either unavailable or do not agree on the potential impact of this missense change (SIFT: "Not Available"; PolyPhen-2: "Probably Damaging"; Align-GVGD: "Not Available"). In summary, the available evidence is currently insufficient to determine the role of this variant in disease. Therefore, it has been classified as a Variant of Uncertain Significance.

NM_004239.4(TRIP11):c.4447C>A (p.Gln1483Lys)

Gene: TRIP11 (thyroid hormone receptor interactor 11; minus strand). Cytogenetic location: 14q32.12.
Variant type: single nucleotide variant.
Coding change: c.4447C>A on transcript NM_004239.4 (MANE Select); coding-DNA position 4447, C replaced by A.
Protein change: p.Gln1483Lys; replaces glutamine 1483 with lysine.
Molecular consequence: missense variant.
Genome position (GRCh38, 1-based): chr14:92,003,529, G>T on the plus strand (C>A on the coding strand, the complement: TRIP11 is on the minus strand). VCF-style: chr14-92003529-G-T. GRCh37 (hg19) VCF-style: chr14-92469873-G-T.
Other names: c.4444C>A, p.Gln1482Lys (NM_001321851.1); short protein forms Q1483K, Q1482K.
Identifiers: ClinVar variation 1504467 (VCV001504467.6), dbSNP rs767207472, ClinGen allele CA7313454.